The following is an entry in ClinVar:

ClinVar aggregate classification (germline): Pathogenic/Likely pathogenic. Review status: criteria provided, multiple submitters, no conflicts (2 of 4 stars). 7 submissions from 7 submitters: Pathogenic (4); Likely pathogenic (1). 2 of the submissions do not count toward it. Last evaluated 2025-09-22.

Conditions:
ALG3-congenital disorder of glycosylation. Also called: CONGENITAL DISORDER OF GLYCOSYLATION, TYPE Id; CDG Id; ALG3-CDG; CARBOHYDRATE-DEFICIENT GLYCOPROTEIN SYNDROME, TYPE IV; CDGS, TYPE IV. Identifiers: Orphanet 79321, MedGen C1832736, MONDO:0010998, OMIM 601110.

Allele frequency attached by ClinVar (database versions not stated): TOPMed 0.00003; gnomAD 0.00004 and 0.00005.
gnomAD v4.1: 131 of 1,613,426 alleles (0.0081%); highest among the groups gnomAD compares: Non-Finnish European, 0.01%; no homozygotes.

Submissions (7):

GeneDx
Classification: Pathogenic. Last evaluated: 2025-09-22. Review status: criteria provided, single submitter. Criteria: GeneDx Variant Classification Process June 2021. Collection method: clinical testing. Allele origin: germline. Affected: yes.
Comment: Published functional studies suggest that this variant, in the homozygous state, results in impaired lipid-linked oligosaccharides (PMID: 15840742); In silico analysis supports that this missense variant has a deleterious effect on protein structure/function; In silico analysis suggests this variant may impact gene splicing. In the absence of RNA/functional studies, the actual effect of this sequence change is unknown.; Not observed at significant frequency in large population cohorts (gnomAD); Identified in patients with features consistent with ALG3-related disorder who also harbored an additional variant in the ALG3 gene in published literature (PMID: 18679822, 37644014).; This variant is associated with the following publications: (PMID: 33583022, 28742265, 15840742, 34645488, 37291213, 18679822, 37644014)

Women's Health and Genetics/Laboratory Corporation of America, LabCorp
Classification: Pathogenic for ALG3-congenital disorder of glycosylation. Last evaluated: 2024-11-29. Review status: criteria provided, single submitter. Criteria: LabCorp Variant Classification Summary - May 2015. Collection method: clinical testing. Allele origin: germline.
Comment: Variant summary: ALG3 c.512G>A (p.Arg171Gln) results in a conservative amino acid change in the encoded protein sequence. Four of five in-silico tools predict a damaging effect of the variant on protein function. The variant allele was found at a frequency of 2.4e-05 in 247844 control chromosomes. c.512G>A has been reported in the literature in multiple individuals affected with ALG3-congenital disorder of glycosylation (examples: Alsubhi_2017, Rimella-Le-Huu_2018). These data indicate that the variant is very likely to be associated with disease. The following publications have been ascertained in the context of this evaluation (PMID: 28742265, 18679822). ClinVar contains an entry for this variant (Variation ID: 2129). Based on the evidence outlined above, the variant was classified as pathogenic.

Genomic Medicine Center of Excellence, King Faisal Specialist Hospital and Research Centre
Classification: Likely pathogenic for ALG3-congenital disorder of glycosylation. Last evaluated: 2024-03-17. Review status: criteria provided, single submitter. Criteria: ACMG Guidelines, 2015. Collection method: research. Allele origin: germline.

New York Genome Center
Classification: Pathogenic for ALG3-congenital disorder of glycosylation. Last evaluated: 2024-01-29. Review status: criteria provided, single submitter. Criteria: NYGC Assertion Criteria 2020. Collection method: clinical testing. Allele origin: inherited. Affected: yes. Observed: 1 variant allele, 1 compound heterozygote.
Comment: The c.512G>A p.(Arg171Gln) variant identified in ALG3 has been deposited in ClinVar [ClinVar ID: 2129] as pathogenic or likely pathogenic. This variant has been observed in homozygous or compound heterozygous state in multiple individuals with congenital disorder of glycosylation[PMID:15840742, 33583022,18679822] and has been reported to segregate in a family [PMID: 28742265]. The c.512G>A variant is observed in 13 alleles (~0.009% minor allele frequency with 0 homozygote) in population databases (gnomAD v2.1.1 and v3.1.2, TOPMed Freeze 8), suggesting it is not a common benign variant in the populations represented in those databases. The c.512G>A variant in ALG3 is located in exon 4 of this 9-exon gene, and is predicted to replace an Arginine with Glutamine at position 171 in the encoded protein. In silico predictions provide strong evidence of pathogenic effect for the p.(Arg171Gln) variant [REVEL = 0.959]. Published functional studies suggest that this variant, in the homozygous state, results in impaired lipid-linked oligosaccharides [PMID:15840742]. Based on available evidence this c.512G>A p.(Arg171Gln) variant identified in ALG3 is classified as Pathogenic.

Victorian Clinical Genetics Services, Murdoch Childrens Research Institute
Classification: Pathogenic for ALG3-congenital disorder of glycosylation. Last evaluated: 2022-06-24. Review status: criteria provided, single submitter. Criteria: ACMG Guidelines, 2015. Collection method: clinical testing. Allele origin: germline. Inheritance: Autosomal recessive inheritance. Affected: yes.
Comment: Based on the classification scheme VCGS_Germline_v1.3.4, this variant is classified as Pathogenic. Following criteria are met: 0102 - Loss of function is a known mechanism of disease in this gene and is associated with congenital disorder of glycosylation, type Id (MIM#601110). (I) 0106 - This gene is associated with autosomal recessive disease. (I) 0200 - Variant is predicted to result in a missense amino acid change from arginine to glutamine. (I) 0252 - This variant is homozygous. (I) 0304 - Variant is present in gnomAD (v2) <0.01 for a recessive condition (9 heterozygotes, 0 homozygotes). (SP) 0309 - An alternative amino acid change at the same position has been observed in gnomAD (v2) (4 heterozygotes, 0 homozygotes). (I) 0501 - Missense variant consistently predicted to be damaging by multiple in silico tools or highly conserved with a major amino acid change. (SP) 0600 - Variant is located in the annotated ALG3 domain (NCBI). (I) 0801 - This variant has strong previous evidence of pathogenicity in unrelated individuals. This variant has been reported as likely pathogenic and pathogenic, and observed in multiple homozygous individuals and a single compound heterozygous individual with congenital disorder of glycosylation (LOVD, PMID: 15840742, PMID: 33583022, PMID: 28742265, PMID: 18679822). (SP) 0901 - This variant has strong evidence for segregation with disease. This variant segregated in seven homozygous, affected siblings (PMID: 28742265). (I) Legend: (SP) - Supporting pathogenic, (I) - Information, (SB) - Supporting benign

OMIM
Classification: Pathogenic for CONGENITAL DISORDER OF GLYCOSYLATION, TYPE Id. Last evaluated: 2005-07-01. Review status: no assertion criteria provided. Collection method: literature only. Allele origin: germline. Not counted in ClinVar's aggregate classification.

University of Washington Center for Mendelian Genomics, University of Washington
Classification: Likely pathogenic for ALG3-congenital disorder of glycosylation. Review status: no assertion criteria provided. Collection method: research. Allele origin: inherited. Affected: yes. Not counted in ClinVar's aggregate classification.

Literature cited by the submitters: PubMed 18679822 (cited by 3 submitters); PubMed 28742265 (cited by 3 submitters); PubMed 15840742 (cited by 3 submitters); PubMed 33583022 (cited by 3 submitters).

NM_005787.6(ALG3):c.512G>A (p.Arg171Gln)

Gene: ALG3 (ALG3 alpha-1,3- mannosyltransferase; minus strand). Cytogenetic location: 3q27.1.
Variant type: single nucleotide variant.
Coding change: c.512G>A on transcript NM_005787.6 (MANE Select); coding-DNA position 512, G replaced by A.
Protein change: p.Arg171Gln; replaces arginine 171 with glutamine.
Molecular consequence: missense variant. On other transcripts: non-coding transcript variant (2).
Genome position (GRCh38, 1-based): chr3:184,245,291, C>T on the plus strand (G>A on the coding strand, the complement: ALG3 is on the minus strand). VCF-style: chr3-184245291-C-T. GRCh37 (hg19) VCF-style: chr3-183963079-C-T.
Other names: c.368G>A, p.Arg123Gln (NM_001006941.2); c.512G>A (NM_005787.5); short protein forms R171Q, R123Q.
Identifiers: ClinVar variation 2129 (VCV000002129.11), dbSNP rs119103236, ClinGen allele CA252107.
Genomic context (GRCh38, chr3:184,245,291, plus strand): 5'-GCCAGCAGGAGGTTGATACTGAGGAAGAGCAGCACCATGGCCACTGGGTCATTGAAGAGC[C>T]GCAGCACAAAGATGGAGTGGACACGGTAAGAGGCGCAGCACATGAAGAAAAAGACGAAGG-3'
Protein context (NP_005778.1, residues 161-181): SYRVHSIFVL[Arg171Gln]LFNDPVAMVL